The following is an entry in ClinVar:

ClinVar aggregate classification (germline): Uncertain significance (1 of 4 stars; one submission).

Conditions:
Epidermolysis bullosa simplex 3, localized or generalized intermediate, with BP230 deficiency (EBS3). Also called: Epidermolysis bullosa simplex due to BP230 deficiency; Epidermolysis bullosa simplex, autosomal recessive 2. Identifiers: Orphanet 412181, MedGen C3809470, MONDO:0014180, OMIM 615425.
Hereditary sensory and autonomic neuropathy type 6. Also called: HSAN VI; Neuropathy, hereditary sensory and autonomic, type VI. Identifiers: Orphanet 314381, MedGen C3539003, MONDO:0013839, OMIM 614653.

Submission:

Labcorp Genetics (formerly Invitae), Labcorp
Classification: Uncertain significance for Epidermolysis bullosa simplex 3, localized or generalized intermediate, with BP230 deficiency; Hereditary sensory and autonomic neuropathy type 6. Last evaluated: 2022-08-20. Review status: criteria provided, single submitter. Criteria: Invitae Variant Classification Sherloc (09022015). Collection method: clinical testing. Allele origin: germline.
Comment: The DST gene has multiple clinically relevant transcripts. This variant occurs in alternate transcript NM_015548.4, and corresponds to NM_001723.5:c.*60061G>T in the primary transcript. This sequence change replaces alanine, which is neutral and non-polar, with serine, which is neutral and polar, at codon 2386 of the DST protein (p.Ala2386Ser). This variant is not present in population databases (gnomAD no frequency). This variant has not been reported in the literature in individuals affected with DST-related conditions. Experimental studies and prediction algorithms are not available or were not evaluated, and the functional significance of this variant is currently unknown. In summary, the available evidence is currently insufficient to determine the role of this variant in disease. Therefore, it has been classified as a Variant of Uncertain Significance.

NM_001374736.1(DST):c.15025G>T (p.Ala5009Ser)

Gene: DST (dystonin; minus strand). Cytogenetic location: 6p12.1.
Variant type: single nucleotide variant.
Coding change: c.15025G>T on transcript NM_001374736.1 (MANE Select); coding-DNA position 15025, G replaced by T.
Protein change: p.Ala5009Ser; replaces alanine 5009 with serine.
Molecular consequence: missense variant.
Genome position (GRCh38, 1-based): chr6:56,555,456, C>A on the plus strand (G>T on the coding strand, the complement: DST is on the minus strand). VCF-style: chr6-56555456-C-A. GRCh37 (hg19) VCF-style: chr6-56420254-C-A.
Other names: c.8668G>T, p.Ala2890Ser (NM_001144769.5); c.8254G>T, p.Ala2752Ser (NM_001144770.2); c.15025G>T, p.Ala5009Ser (NM_001374722.1); c.14392G>T, p.Ala4798Ser (NM_001374729.1); c.8134G>T, p.Ala2712Ser (NM_001374730.1, NM_001386100.1, NM_183380.4); c.15052G>T, p.Ala5018Ser (NM_001374734.1); c.7156G>T, p.Ala2386Ser (NM_015548.5); short protein forms A2386S, A4798S, A5009S, A2712S, A2752S, A5018S, A2890S.
Identifiers: ClinVar variation 2025134 (VCV002025134.2), dbSNP rs1233301738, ClinGen allele CA364518667.
Genomic context (GRCh38, chr6:56,555,456, plus strand): 5'-TACTAAGTTCTGCTTTCAAGTACTCTTCTTTAACCAGTGCTGACAAATCCTCACAGAGTG[C>A]CTGGGCCACTTTTATCTGCTTCTTTTCCTGCTGTATCTCCTGCTTCATTTTTTGGGCTGT-3'
Protein context (NP_001361665.1, residues 4999-5019): QEKKQIKVAQ[Ala5009Ser]LCEDLSALVK